The following is an entry in ClinVar:

NM_001384732.1(CPLANE1):c.9282G>A (p.Gly3094=)

Gene: CPLANE1 (ciliogenesis and planar polarity effector complex subunit 1; minus strand). Cytogenetic location: 5p13.2.
Variant type: single nucleotide variant.
Coding change: c.9282G>A on transcript NM_001384732.1 (MANE Select); coding-DNA position 9282, G replaced by A.
Protein change: p.Gly3094=; no amino-acid change (glycine 3094 retained).
Molecular consequence: synonymous variant.
Genome position (GRCh38, 1-based): chr5:37,120,244, C>T on the plus strand (G>A on the coding strand, the complement: CPLANE1 is on the minus strand). VCF-style: chr5-37120244-C-T. GRCh37 (hg19) VCF-style: chr5-37120346-C-T.
Other names: c.9120G>A, p.Gly3040= (NM_023073.4).
Identifiers: ClinVar variation 1562517 (VCV001562517.39), dbSNP rs369518590, ClinGen allele CA3237518.

ClinVar aggregate classification (germline): Likely benign. Review status: criteria provided, multiple submitters, no conflicts (2 of 4 stars). 3 submissions from 3 submitters: Likely benign (3). Last evaluated 2024-05-22.

Allele frequency attached by ClinVar (database versions not stated): gnomAD exomes below 0.00001; ExAC 0.00001; gnomAD 0.00001; TOPMed 0.00001; ESP Exome Variant Server 0.00008.
gnomAD v4.1: 8 of 1,603,516 alleles (0.0005%); highest among the groups gnomAD compares: Middle Eastern, 0.016%; no homozygotes.

Submissions (3):

Blueprint Genetics
Classification: Likely benign. Last evaluated: 2024-05-22. Review status: criteria provided, single submitter. Criteria: ACMG Guidelines, 2015. Collection method: clinical testing. Allele origin: germline.

CeGaT Center for Human Genetics Tuebingen
Classification: Likely benign. Last evaluated: 2022-03-01. Review status: criteria provided, single submitter. Criteria: CeGaT Center For Human Genetics Tuebingen Variant Classification Criteria Version 2. Collection method: clinical testing. Allele origin: germline. Affected: yes. Observed: 1 variant allele.
Comment: CPLANE1: BP4, BP7

Labcorp Genetics (formerly Invitae), Labcorp
Classification: Likely benign. Last evaluated: 2022-02-10. Review status: criteria provided, single submitter. Criteria: Invitae Variant Classification Sherloc (09022015). Collection method: clinical testing. Allele origin: germline.